The following is an entry in ClinVar:

NM_000262.3(NAGA):c.*12A>C

Gene: NAGA (alpha-N-acetylgalactosaminidase; minus strand). Cytogenetic location: 22q13.2.
Variant type: single nucleotide variant.
Coding change: c.*12A>C on transcript NM_000262.3 (MANE Select); 12 bases downstream of the stop codon, A replaced by C.
Molecular consequence: 3 prime UTR variant.
Genome position (GRCh38, 1-based): chr22:42,060,267, T>G on the plus strand (A>C on the coding strand, the complement: NAGA is on the minus strand). VCF-style: chr22-42060267-T-G. GRCh37 (hg19) VCF-style: chr22-42456271-T-G.
Other names: c.*12A>C (NM_001362848.1, NM_001362850.1).
Identifiers: ClinVar variation 341903 (VCV000341903.10), dbSNP rs2229547, ClinGen allele CA10263566.

ClinVar aggregate classification (germline): Benign. Review status: criteria provided, multiple submitters, no conflicts (2 of 4 stars). 4 submissions from 3 submitters: Benign (3). 1 of the submissions does not count toward it. Last evaluated 2019-06-29.

Conditions:
Alpha-N-acetylgalactosaminidase deficiency type 2. Also called: ALPHA-N-ACETYLGALACTOSAMINIDASE DEFICIENCY, TYPE II; NAGA DEFICIENCY, TYPE II; SCHINDLER DISEASE, TYPE II. Identifiers: Orphanet 3137, Orphanet 79280, MedGen C1836522, MONDO:0012222, OMIM 609242.
Alpha-N-acetylgalactosaminidase deficiency type 1. Also called: SCHINDLER DISEASE, TYPE I; ALPHA-N-ACETYLGALACTOSAMINIDASE DEFICIENCY, TYPE I; NAGA DEFICIENCY, TYPE I; NEUROAXONAL DYSTROPHY, SCHINDLER TYPE. Identifiers: Orphanet 3137, Orphanet 79279, Orphanet 79281, MedGen C1836544, MONDO:0012221, OMIM 609241.

Allele frequency attached by ClinVar (database versions not stated): ExAC 0.00725; gnomAD 0.02382 and 0.02530; ESP Exome Variant Server 0.02583; 1000 Genomes Project 0.02596; 1000 Genomes Project 30x 0.02639; TOPMed 0.02640.

Submissions (4):

GeneDx
Classification: Benign. Last evaluated: 2019-06-29. Review status: criteria provided, single submitter. Criteria: GeneDx Variant Classification Process June 2021. Collection method: clinical testing. Allele origin: germline. Affected: yes.

Illumina Laboratory Services, Illumina
Classification: Benign for Alpha-N-acetylgalactosaminidase deficiency type 1. Last evaluated: 2018-01-12. Review status: criteria provided, single submitter. Criteria: ICSL Variant Classification Criteria 13 December 2019. Collection method: clinical testing. Allele origin: germline.
Comment: This variant was observed in the ICSL laboratory as part of a predisposition screen in an ostensibly healthy population. It had not been previously curated by ICSL or reported in the Human Gene Mutation Database (HGMD: prior to June 1st, 2018), and was therefore a candidate for classification through an automated scoring system. Utilizing variant allele frequency, disease prevalence and penetrance estimates, and inheritance mode, an automated score was calculated to assess if this variant is too frequent to cause the disease. Based on the score and internal cut-off values, a variant classified as benign is not then subjected to further curation. The score for this variant resulted in a classification of benign for this disease.

Illumina Laboratory Services, Illumina
Classification: Benign for Alpha-N-acetylgalactosaminidase deficiency type 2. Last evaluated: 2018-01-12. Review status: criteria provided, single submitter. Criteria: ICSL Variant Classification Criteria 13 December 2019. Collection method: clinical testing. Allele origin: germline.
Comment: the same text as in the submission from Illumina Laboratory Services, Illumina above.

Mayo Clinic Laboratories, Mayo Clinic
Classification: Benign. Last evaluated: 2017-09-27. Review status: no assertion criteria provided. Collection method: clinical testing. Allele origin: unknown. Not counted in ClinVar's aggregate classification.